The following is an entry in ClinVar:

ClinVar aggregate classification (germline): Uncertain significance (1 of 4 stars; one submission).

gnomAD v4.1: 2 of 1,459,406 alleles (0.00014%); highest among the groups gnomAD compares: Admixed American, 0.0024%; no homozygotes.

Submission:

Labcorp Genetics (formerly Invitae), Labcorp
Classification: Uncertain significance. Last evaluated: 2022-03-19. Review status: criteria provided, single submitter. Criteria: Invitae Variant Classification Sherloc (09022015). Collection method: clinical testing. Allele origin: germline.
Comment: This variant has not been reported in the literature in individuals affected with GREB1L-related conditions. Algorithms developed to predict the effect of missense changes on protein structure and function are either unavailable or do not agree on the potential impact of this missense change (SIFT: "Not Available"; PolyPhen-2: "Probably Damaging"; Align-GVGD: "Not Available"). In summary, the available evidence is currently insufficient to determine the role of this variant in disease. Therefore, it has been classified as a Variant of Uncertain Significance. This variant is not present in population databases (gnomAD no frequency). This sequence change replaces tyrosine, which is neutral and polar, with cysteine, which is neutral and slightly polar, at codon 5 of the GREB1L protein (p.Tyr5Cys).

NM_001142966.3(GREB1L):c.14A>G (p.Tyr5Cys)

Genes: GREB1L (GREB1 like retinoic acid receptor coactivator; plus strand), GREB1L-AS1 (GREB1L antisense RNA 1; minus strand). Cytogenetic location: 18q11.1.
Variant type: single nucleotide variant.
Coding change: c.14A>G on transcript NM_001142966.3 (MANE Select); coding-DNA position 14, A replaced by G.
Protein change: p.Tyr5Cys; replaces tyrosine 5 with cysteine.
Molecular consequence: missense variant.
Genome position (GRCh38, 1-based): chr18:21,383,532, A>G. VCF-style: chr18-21383532-A-G. GRCh37 (hg19) VCF-style: chr18-18963493-A-G.
Other names: c.14A>G, p.Tyr5Cys (NM_001410867.1, NM_001410868.1); short protein forms Y5C.
Identifiers: ClinVar variation 1903578 (VCV001903578.5), dbSNP rs1292048024, ClinGen allele CA401793889.